The following is an entry in ClinVar:

ClinVar aggregate classification (germline): Benign (0 of 4 stars; one submission).

Conditions:
DNAH17-related disorder. Also called: DNAH17-related condition.

Allele frequency attached by ClinVar (database versions not stated): gnomAD exomes 0.00170; ExAC 0.00495; gnomAD 0.01336; TOPMed 0.01485; ESP Exome Variant Server 0.01584; 1000 Genomes Project 0.02097; 1000 Genomes Project 30x 0.02389.
gnomAD v4.1: 4,618 of 1,613,934 alleles (0.29%); highest among the groups gnomAD compares: African/African-American, 4.4%; 95 homozygotes.

Submission:

PreventionGenetics, part of Exact Sciences
Classification: Benign for DNAH17-related condition. Last evaluated: 2019-09-18. Review status: no assertion criteria provided. Collection method: clinical testing. Allele origin: germline.
Comment: This variant is classified as benign based on ACMG/AMP sequence variant interpretation guidelines (Richards et al. 2015 PMID: 25741868, with internal and published modifications).

NM_173628.4(DNAH17):c.2430T>C (p.Asn810=)

Gene: DNAH17 (dynein axonemal heavy chain 17; minus strand). Cytogenetic location: 17q25.3.
Variant type: single nucleotide variant.
Coding change: c.2430T>C on transcript NM_173628.4 (MANE Select); coding-DNA position 2430, T replaced by C.
Protein change: p.Asn810=; no amino-acid change (asparagine 810 retained).
Molecular consequence: synonymous variant.
Genome position (GRCh38, 1-based): chr17:78,543,959, A>G on the plus strand (T>C on the coding strand, the complement: DNAH17 is on the minus strand). VCF-style: chr17-78543959-A-G. GRCh37 (hg19) VCF-style: chr17-76540041-A-G.
Identifiers: ClinVar variation 3038159 (VCV003038159.2), dbSNP rs61746088, ClinGen allele CA8804688.